The following is an entry in ClinVar:

ClinVar aggregate classification (germline): Likely benign (1 of 4 stars; one submission).

gnomAD v4.1: 375 of 1,612,818 alleles (0.023%); highest among the groups gnomAD compares: South Asian, 0.24%; 2 homozygotes.

Submission:

CeGaT Center for Human Genetics Tuebingen
Classification: Likely benign. Last evaluated: 2025-07-01. Review status: criteria provided, single submitter. Criteria: CeGaT Center For Human Genetics Tuebingen Variant Classification Criteria Version 2. Collection method: clinical testing. Allele origin: germline. Affected: yes. Observed: 1 variant allele.
Comment: HSF2BP: BS1

NM_007031.2(HSF2BP):c.49A>G (p.Lys17Glu)

Gene: HSF2BP (heat shock transcription factor 2 binding protein; minus strand). Cytogenetic location: 21q22.3.
Variant type: single nucleotide variant.
Coding change: c.49A>G on transcript NM_007031.2 (MANE Select); coding-DNA position 49, A replaced by G.
Protein change: p.Lys17Glu; replaces lysine 17 with glutamic acid.
Molecular consequence: missense variant.
Genome position (GRCh38, 1-based): chr21:43,656,725, T>C on the plus strand (A>G on the coding strand, the complement: HSF2BP is on the minus strand). VCF-style: chr21-43656725-T-C. GRCh37 (hg19) VCF-style: chr21-45076606-T-C.
Other names: short protein forms K17E.
Identifiers: ClinVar variation 4083833 (VCV004083833.8).